The following is an entry in ClinVar:

NM_002025.4(AFF2):c.3167C>T (p.Thr1056Ile)

Gene: AFF2 (ALF transcription elongation factor 2; plus strand). Cytogenetic location: Xq28.
Variant type: single nucleotide variant.
Coding change: c.3167C>T on transcript NM_002025.4 (MANE Select); coding-DNA position 3167, C replaced by T.
Protein change: p.Thr1056Ile; replaces threonine 1056 with isoleucine.
Molecular consequence: missense variant.
Genome position (GRCh38, 1-based): chrX:148,967,043, C>T. VCF-style: chrX-148967043-C-T. GRCh37 (hg19) VCF-style: chrX-148048573-C-T.
Other names: c.3062C>T, p.Thr1021Ile (NM_001169122.2, NM_001169124.2); c.3137C>T, p.Thr1046Ile (NM_001169123.2); c.3050C>T, p.Thr1017Ile (NM_001169125.2); c.2090C>T, p.Thr697Ile (NM_001170628.1); c.3167C>T (NM_002025.3); short protein forms T1017I, T1021I, T1046I, T1056I, T697I.
Identifiers: ClinVar variation 2504874 (VCV002504874.2), dbSNP rs1043805226, ClinGen allele CA337003934.

ClinVar aggregate classification (germline): Uncertain significance. Review status: criteria provided, multiple submitters, no conflicts (2 of 4 stars). 2 submissions from 2 submitters: Uncertain significance (2). Last evaluated 2025-09-09.

Conditions:
Inborn genetic diseases. Identifiers: MedGen C0950123, MeSH D030342.

Allele frequency attached by ClinVar (database versions not stated): gnomAD exomes below 0.00001.
gnomAD v4.1: 2 of 1,211,464 alleles (0.00017%); highest among the groups gnomAD compares: Non-Finnish European, 0.00022%; no homozygotes.

Submissions (2):

Ambry Genetics
Classification: Uncertain significance for Inborn genetic diseases. Last evaluated: 2025-09-09. Review status: criteria provided, single submitter. Criteria: Ambry Variant Classification Scheme 2023. Collection method: clinical testing. Allele origin: germline.

GeneDx
Classification: Uncertain significance. Last evaluated: 2022-12-03. Review status: criteria provided, single submitter. Criteria: GeneDx Variant Classification Process June 2021. Collection method: clinical testing. Allele origin: germline. Affected: yes.
Comment: Not observed at significant frequency in large population cohorts (gnomAD); In silico analysis supports that this missense variant does not alter protein structure/function; Has not been previously published as pathogenic or benign to our knowledge